The following is an entry in ClinVar:

ClinVar aggregate classification (germline): Uncertain significance (1 of 4 stars; one submission).

Conditions:
Cardiovascular phenotype. Identifiers: MedGen CN230736.

Submission:

Ambry Genetics
Classification: Uncertain significance for Cardiovascular phenotype. Last evaluated: 2025-11-07. Review status: criteria provided, single submitter. Criteria: Ambry Variant Classification Scheme 2023. Collection method: clinical testing. Allele origin: germline.
Comment: The p.L394P variant (also known as c.1181T>C), located in coding exon 2 of the RBM20 gene, results from a T to C substitution at nucleotide position 1181. The leucine at codon 394 is replaced by proline, an amino acid with similar properties. This amino acid position is conserved. In addition, this alteration is predicted to be deleterious by in silico analysis. Based on the available evidence, the clinical significance of this variant remains unclear.

NM_001134363.3(RBM20):c.1181T>C (p.Leu394Pro)

Gene: RBM20 (RNA binding motif protein 20; plus strand). Cytogenetic location: 10q25.2.
Variant type: single nucleotide variant.
Coding change: c.1181T>C on transcript NM_001134363.3 (MANE Select); coding-DNA position 1181, T replaced by C.
Protein change: p.Leu394Pro; replaces leucine 394 with proline.
Molecular consequence: missense variant.
Genome position (GRCh38, 1-based): chr10:110,781,790, T>C. VCF-style: chr10-110781790-T-C. GRCh37 (hg19) VCF-style: chr10-112541548-T-C.
Other names: short protein forms L394P.
Identifiers: ClinVar variation 4614828 (VCV004614828.1).